The following is an entry in ClinVar:

NM_000361.3(THBD):c.867C>A (p.Asn289Lys)

Gene: THBD (thrombomodulin; minus strand). Cytogenetic location: 20p11.21.
Variant type: single nucleotide variant.
Coding change: c.867C>A on transcript NM_000361.3 (MANE Select); coding-DNA position 867, C replaced by A.
Protein change: p.Asn289Lys; replaces asparagine 289 with lysine.
Molecular consequence: missense variant.
Genome position (GRCh38, 1-based): chr20:23,048,638, G>T on the plus strand (C>A on the coding strand, the complement: THBD is on the minus strand). VCF-style: chr20-23048638-G-T. GRCh37 (hg19) VCF-style: chr20-23029275-G-T.
Other names: p.Asn289Lys; short protein forms N289K.
Identifiers: ClinVar variation 2683534 (VCV002683534.3), dbSNP rs140001062, ClinGen allele CA9787676.
Genomic context (GRCh38, chr20:23,048,638, plus strand): 5'-CATGCACGAGTAGGAGCCCGGCTGGTCGGGGTTGGGAACGCAGAAGTGCTCGCAGAGGTC[G>T]TTGCAGGACTGCGTCGCGGATGCGGTGCAGGAGCGCCCGTCTGCCTGCAGGGCGGCGCCG-3'
Protein context (NP_000352.1, residues 279-299): SCTASATQSC[Asn289Lys]DLCEHFCVPN

ClinVar aggregate classification (germline): Uncertain significance. Review status: criteria provided, multiple submitters, no conflicts (2 of 4 stars). 2 submissions from 2 submitters: Uncertain significance (2). Last evaluated 2024-12-16.

Allele frequency attached by ClinVar (database versions not stated): ExAC 0.00001; TOPMed 0.00002; ESP Exome Variant Server 0.00008.

Submissions (2):

Labcorp Genetics (formerly Invitae), Labcorp
Classification: Uncertain significance. Last evaluated: 2024-12-16. Review status: criteria provided, single submitter. Criteria: Invitae Variant Classification Sherloc (09022015). Collection method: clinical testing. Allele origin: germline.
Comment: This sequence change replaces asparagine, which is neutral and polar, with lysine, which is basic and polar, at codon 289 of the THBD protein (p.Asn289Lys). This variant is present in population databases (rs140001062, gnomAD 0.002%). This missense change has been observed in individual(s) with recurrent pregnancy loss (PMID: 37979949). ClinVar contains an entry for this variant (Variation ID: 2683534). Invitae Evidence Modeling of protein sequence and biophysical properties (such as structural, functional, and spatial information, amino acid conservation, physicochemical variation, residue mobility, and thermodynamic stability) indicates that this missense variant is not expected to disrupt THBD protein function with a negative predictive value of 80%. In summary, the available evidence is currently insufficient to determine the role of this variant in disease. Therefore, it has been classified as a Variant of Uncertain Significance.

Mayo Clinic Laboratories, Mayo Clinic
Classification: Uncertain significance. Last evaluated: 2022-05-25. Review status: criteria provided, single submitter. Criteria: ACMG Guidelines, 2015. Collection method: clinical testing. Allele origin: germline. Observed: 1 variant allele.

Literature cited by the submitters: PubMed 37979949 (cited by Labcorp Genetics (formerly Invitae), Labcorp).